The following is an entry in ClinVar:

NM_000548.5(TSC2):c.4642C>T (p.Leu1548=)

Gene: TSC2 (TSC complex subunit 2; plus strand). Cytogenetic location: 16p13.3.
Variant type: single nucleotide variant.
Coding change: c.4642C>T on transcript NM_000548.5 (MANE Select); coding-DNA position 4642, C replaced by T.
Protein change: p.Leu1548=; no amino-acid change (leucine 1548 retained).
Molecular consequence: synonymous variant. On other transcripts: non-coding transcript variant (5).
Genome position (GRCh38, 1-based): chr16:2,085,302, C>T. VCF-style: chr16-2085302-C-T. GRCh37 (hg19) VCF-style: chr16-2135303-C-T.
Other names: c.4441C>T, p.Leu1481= (NM_001077183.3); c.4573C>T, p.Leu1525= (NM_001114382.3); c.4333C>T, p.Leu1445= (NM_001318827.2); c.4297C>T, p.Leu1433= (NM_001318829.2); c.3910C>T, p.Leu1304= (NM_001318831.2); c.4474C>T, p.Leu1492= (NM_001318832.2); c.4444C>T, p.Leu1482= (NM_001363528.2); c.4510C>T, p.Leu1504= (NM_001370404.1); and 26 more.
Identifiers: ClinVar variation 1742119 (VCV001742119.8), dbSNP rs769883910, ClinGen allele CA051991.
Genomic context (GRCh38, chr16:2,085,302, plus strand): 5'-GAGCGGTCGGTGCAGCTCCTCGACCAGATCCCATCATACGACACCCACAAGATCGCCGTC[C>T]TGTATGTTGGAGAAGGCCAGGTGAGGCTGCGGGGCCGGCCTAGGTGCCTGGACAGGGCCA-3'
Protein context (NP_000539.2, residues 1538-1558): PSYDTHKIAV[Leu1548=]YVGEGQSNSE

ClinVar aggregate classification (germline): Benign/Likely benign. Review status: criteria provided, multiple submitters, no conflicts (2 of 4 stars). 3 submissions from 3 submitters: Benign (1); Likely benign (2). Last evaluated 2025-06-04.

Conditions:
Hereditary cancer-predisposing syndrome. Also called: Neoplastic Syndromes, Hereditary; Tumor predisposition; Hereditary Cancer Syndrome; Hereditary neoplastic syndrome. Identifiers: Orphanet 140162, MedGen C0027672, MeSH D009386, MONDO:0015356.
Tuberous sclerosis 2 (TSC2). Identifiers: Orphanet 805, MedGen C1860707, MONDO:0013199, OMIM 613254.

Allele frequency attached by ClinVar (database versions not stated): gnomAD exomes below 0.00001; ExAC 0.00001.
gnomAD v4.1: 2 of 1,612,754 alleles (0.00012%); highest among the groups gnomAD compares: Admixed American, 0.0033%; no homozygotes.

Submissions (3):

Myriad Genetics, Inc.
Classification: Benign for Tuberous sclerosis 2. Last evaluated: 2025-06-04. Review status: criteria provided, single submitter. Criteria: Myriad Autosomal Dominant, Autosomal Recessive and X-Linked Classification Criteria (2023). Collection method: clinical testing. Allele origin: unknown.
Comment: This variant is considered benign. This variant is a silent/synonymous amino acid change and it is not expected to impact splicing.

Labcorp Genetics (formerly Invitae), Labcorp
Classification: Likely benign for Tuberous sclerosis 2. Last evaluated: 2022-08-27. Review status: criteria provided, single submitter. Criteria: Invitae Variant Classification Sherloc (09022015). Collection method: clinical testing. Allele origin: germline.

Ambry Genetics
Classification: Likely benign for Hereditary cancer-predisposing syndrome. Last evaluated: 2020-03-16. Review status: criteria provided, single submitter. Criteria: Ambry Variant Classification Scheme 2023. Collection method: clinical testing. Allele origin: germline.